The following is an entry in ClinVar:

NM_001042492.3(NF1):c.5630T>C (p.Leu1877Pro)

Gene: NF1 (neurofibromin 1; plus strand). Cytogenetic location: 17q11.2.
Variant type: single nucleotide variant.
Coding change: c.5630T>C on transcript NM_001042492.3 (MANE Select); coding-DNA position 5630, T replaced by C.
Protein change: p.Leu1877Pro; replaces leucine 1877 with proline.
Molecular consequence: missense variant.
Genome position (GRCh38, 1-based): chr17:31,330,316, T>C. VCF-style: chr17-31330316-T-C. GRCh37 (hg19) VCF-style: chr17-29657334-T-C.
Other names: c.5567T>C, p.Leu1856Pro (NM_000267.4); short protein forms L1856P, L1877P.
Identifiers: ClinVar variation 2113703 (VCV002113703.6), dbSNP rs2069448419, ClinGen allele CA399010133.

ClinVar aggregate classification (germline): Pathogenic/Likely pathogenic. Review status: criteria provided, multiple submitters, no conflicts (2 of 4 stars). 2 submissions from 2 submitters: Pathogenic (1); Likely pathogenic (1). Last evaluated 2025-01-31.

Conditions:
Neurofibromatosis, type 1 (NF1). Also called: NEUROFIBROMATOSIS, TYPE I, SOMATIC; Neurofibromatosis, type I; Peripheral type neurofibromatosis; VON RECKLINGHAUSEN DISEASE. Identifiers: Orphanet 636, MedGen C0027831, MONDO:0018975, OMIM 162200. Disease mechanism: loss of function.
Cardiovascular phenotype. Identifiers: MedGen CN230736.
Hereditary cancer-predisposing syndrome. Also called: Tumor predisposition; Hereditary Cancer Syndrome; Neoplastic Syndromes, Hereditary; Hereditary neoplastic syndrome. Identifiers: Orphanet 140162, MedGen C0027672, MeSH D009386, MONDO:0015356.

Submissions (2):

Ambry Genetics
Classification: Likely pathogenic for Cardiovascular phenotype; Hereditary cancer-predisposing syndrome. Last evaluated: 2025-01-31. Review status: criteria provided, single submitter. Criteria: Ambry Variant Classification Scheme 2023. Collection method: clinical testing. Allele origin: germline.
Comment: The p.L1856P variant (also known as c.5567T>C), located in coding exon 38 of the NF1 gene, results from a T to C substitution at nucleotide position 5567. The leucine at codon 1856 is replaced by proline, an amino acid with similar properties. This variant was reported in individual(s) with features consistent with Neurofibromatosis type 1 (Ambry internal data, personal communication). Based on internal structural analysis, this variant is anticipated to result in a significant decrease in structural stability (Ambry internal data). This amino acid position is highly conserved in available vertebrate species. In addition, this alteration is predicted to be deleterious by in silico analysis. Based on the majority of available evidence to date, this variant is likely to be pathogenic.

Labcorp Genetics (formerly Invitae), Labcorp
Classification: Pathogenic for Neurofibromatosis, type 1. Last evaluated: 2022-03-18. Review status: criteria provided, single submitter. Criteria: Invitae Variant Classification Sherloc (09022015). Collection method: clinical testing. Allele origin: germline.
Comment: This missense change has been observed in individual(s) with neurofibromatosis type 1 (Invitae). This variant is not present in population databases (gnomAD no frequency). This sequence change replaces leucine, which is neutral and non-polar, with proline, which is neutral and non-polar, at codon 1856 of the NF1 protein (p.Leu1856Pro). Advanced modeling of protein sequence and biophysical properties (such as structural, functional, and spatial information, amino acid conservation, physicochemical variation, residue mobility, and thermodynamic stability) performed at Invitae indicates that this missense variant is expected to disrupt NF1 protein function. For these reasons, this variant has been classified as Pathogenic. This variant disrupts the p.Leu1856 amino acid residue in NF1. Other variant(s) that disrupt this residue have been determined to be pathogenic (Invitae). This suggests that this residue is clinically significant, and that variants that disrupt this residue are likely to be disease-causing.